The following is an entry in ClinVar:

NM_002693.3(POLG):c.1890C>T (p.Asn630=)

Gene: POLG (DNA polymerase gamma, catalytic subunit; minus strand). Cytogenetic location: 15q26.1.
Variant type: single nucleotide variant.
Coding change: c.1890C>T on transcript NM_002693.3 (MANE Select); coding-DNA position 1890, C replaced by T.
Protein change: p.Asn630=; no amino-acid change (asparagine 630 retained).
Molecular consequence: synonymous variant.
Genome position (GRCh38, 1-based): chr15:89,325,509, G>A on the plus strand (C>T on the coding strand, the complement: POLG is on the minus strand). VCF-style: chr15-89325509-G-A. GRCh37 (hg19) VCF-style: chr15-89868740-G-A.
Other names: p.N630N:AAC>AAT; p.Asn630=; c.1890C>T, p.Asn630= (NM_001126131.2).
Identifiers: ClinVar variation 138780 (VCV000138780.42), dbSNP rs148658588, ClinGen allele CA292882.

ClinVar aggregate classification (germline): Benign/Likely benign. Review status: criteria provided, multiple submitters, no conflicts (2 of 4 stars). 11 submissions from 11 submitters: Benign (2); Likely benign (7). 2 of the submissions do not count toward it. Last evaluated 2026-01-30.

Conditions:
Inborn genetic diseases. Identifiers: MedGen C0950123, MeSH D030342.
Progressive sclerosing poliodystrophy (MTDPS4A). Also called: Alpers Syndrome; ALPERS DIFFUSE DEGENERATION OF CEREBRAL GRAY MATTER WITH HEPATIC CIRRHOSIS; Alpers-Huttenlocher Syndrome; Mitochondrial DNA depletion syndrome 4A (Alpers type); Mitochondrial DNA Depletion Syndrome 4A; Alpers-Huttenlocher Syndrome (AHS). Identifiers: Orphanet 726, MedGen C0205710, MONDO:0008758, OMIM 203700.

Allele frequency attached by ClinVar (database versions not stated): gnomAD exomes 0.00033; ExAC 0.00037; gnomAD 0.00139 and 0.00146; TOPMed 0.00158; ESP Exome Variant Server 0.00177; 1000 Genomes Project 30x 0.00203; 1000 Genomes Project 0.00220.

Submissions (11):

Labcorp Genetics (formerly Invitae), Labcorp
Classification: Benign for Progressive sclerosing poliodystrophy. Last evaluated: 2026-01-30. Review status: criteria provided, single submitter. Criteria: Invitae Variant Classification Sherloc (09022015). Collection method: clinical testing. Allele origin: germline.

Mayo Clinic Laboratories, Mayo Clinic
Classification: Likely benign. Last evaluated: 2024-12-20. Review status: criteria provided, single submitter. Criteria: ACMG Guidelines, 2015. Collection method: clinical testing. Allele origin: germline. Observed: 5 variant alleles.
Comment: BS1, BP4, BP7

Athena Diagnostics
Classification: Likely benign. Last evaluated: 2024-12-18. Review status: criteria provided, single submitter. Criteria: Athena Diagnostics Criteria. Collection method: clinical testing. Allele origin: unknown.
Comment: The frequency of this variant in the general population is higher than would generally be expected for pathogenic variants in this gene. Computational tools yielded predictions that this variant is unlikely to have an effect on normal RNA splicing.

Blueprint Genetics
Classification: Likely benign. Last evaluated: 2024-11-11. Review status: criteria provided, single submitter. Criteria: ACMG Guidelines, 2015. Collection method: clinical testing. Allele origin: germline.

CeGaT Center for Human Genetics Tuebingen
Classification: Likely benign. Last evaluated: 2024-11-01. Review status: criteria provided, single submitter. Criteria: CeGaT Center For Human Genetics Tuebingen Variant Classification Criteria Version 2. Collection method: clinical testing. Allele origin: germline. Affected: yes. Observed: 2 variant alleles.
Comment: POLG: BP4, BP7

Wong Mito Lab, Molecular and Human Genetics, Baylor College of Medicine
Classification: Likely benign for Progressive sclerosing poliodystrophy. Last evaluated: 2018-10-01. Review status: criteria provided, single submitter. Criteria: ACMG Guidelines, 2015. Collection method: clinical testing. Allele origin: germline.
Comment: The NM_002693.2:c.1890C>T (NP_002684.1:p.Asn630=) [GRCH38: NC_000015.10:g.89325509G>A] variant in POLG gene is interpretated to be a Likely Benign based on ACMG guidelines (PMID: 25741868). This variant meets the following evidence codes reported in the ACMG-guideline. BS1:The minor allele frequency of this allele is high for Mitochondrial DNA depletion syndrome 4A (Alpers type). BP4:Computational evidence/predictors indicate no impact on the POLG structure, function, or protein-protein interaction. BP7:The variant is silent with non predicted splice impact. Based on the evidence criteria codes applied, the variant is suggested to be Likely Benign.

Ambry Genetics
Classification: Likely benign for Inborn genetic diseases. Last evaluated: 2017-06-28. Review status: criteria provided, single submitter. Criteria: Ambry Variant Classification Scheme 2023. Collection method: clinical testing. Allele origin: germline.

Eurofins Ntd Llc (ga)
Classification: Likely benign. Last evaluated: 2016-10-04. Review status: criteria provided, single submitter. Criteria: EGL Classification Definitions 2015. Collection method: clinical testing. Allele origin: germline. Observed: 7 variant alleles, 7 heterozygotes.

GeneDx
Classification: Benign. Last evaluated: 2013-01-30. Review status: criteria provided, single submitter. Criteria: GeneDx Variant Classification (06012015). Collection method: clinical testing. Allele origin: germline. Affected: yes.
Comment: This variant is considered likely benign or benign based on one or more of the following criteria: it is a conservative change, it occurs at a poorly conserved position in the protein, it is predicted to be benign by multiple in silico algorithms, and/or has population frequency not consistent with disease.

Clinical Genetics DNA and cytogenetics Diagnostics Lab, Erasmus MC, Erasmus Medical Center
Classification: Likely benign. Review status: no assertion criteria provided. Collection method: clinical testing. Allele origin: germline. Affected: yes. Study: VKGL Data-share Consensus. Not counted in ClinVar's aggregate classification.

Genome Diagnostics Laboratory, University Medical Center Utrecht
Classification: Likely benign. Review status: no assertion criteria provided. Collection method: clinical testing. Allele origin: germline. Affected: yes. Study: VKGL Data-share Consensus. Not counted in ClinVar's aggregate classification.